The following is an entry in ClinVar:

NM_001458.5(FLNC):c.3350G>T (p.Cys1117Phe)

Gene: FLNC (filamin C; plus strand). Cytogenetic location: 7q32.1.
Variant type: single nucleotide variant.
Coding change: c.3350G>T on transcript NM_001458.5 (MANE Select); coding-DNA position 3350, G replaced by T.
Protein change: p.Cys1117Phe; replaces cysteine 1117 with phenylalanine.
Molecular consequence: missense variant.
Genome position (GRCh38, 1-based): chr7:128,844,815, G>T. VCF-style: chr7-128844815-G-T. GRCh37 (hg19) VCF-style: chr7-128484869-G-T.
Other names: c.3350G>T, p.Cys1117Phe (NM_001127487.2); short protein forms C1117F.
Identifiers: ClinVar variation 2101654 (VCV002101654.4), dbSNP rs2536637335, ClinGen allele CA369196582.

ClinVar aggregate classification (germline): Uncertain significance (1 of 4 stars; one submission).

Conditions:
Distal myopathy with posterior leg and anterior hand involvement. Also called: WILLIAMS DISTAL MYOPATHY. Identifiers: Orphanet 63273, MedGen C3279722, MONDO:0013550, OMIM 614065.
Myofibrillar myopathy 5. Also called: Filaminopathy (type); FILAMINOPATHY, AUTOSOMAL DOMINANT. Identifiers: Orphanet 171445, MedGen C1836050, MONDO:0012289, OMIM 609524.
Hypertrophic cardiomyopathy 26. Also called: Cardiomyopathy, familial hypertrophic, 26. Identifiers: Orphanet 75249, MedGen C4310749, MONDO:0014883, OMIM 617047.

Submission:

Labcorp Genetics (formerly Invitae), Labcorp
Classification: Uncertain significance for Distal myopathy with posterior leg and anterior hand involvement; Myofibrillar myopathy 5; Hypertrophic cardiomyopathy 26. Last evaluated: 2023-08-17. Review status: criteria provided, single submitter. Criteria: Invitae Variant Classification Sherloc (09022015). Collection method: clinical testing. Allele origin: germline.
Comment: In summary, the available evidence is currently insufficient to determine the role of this variant in disease. Therefore, it has been classified as a Variant of Uncertain Significance. Advanced modeling of protein sequence and biophysical properties (such as structural, functional, and spatial information, amino acid conservation, physicochemical variation, residue mobility, and thermodynamic stability) has been performed at Invitae for this missense variant, however the output from this modeling did not meet the statistical confidence thresholds required to predict the impact of this variant on FLNC protein function. ClinVar contains an entry for this variant (Variation ID: 2101654). This variant has not been reported in the literature in individuals affected with FLNC-related conditions. This variant is not present in population databases (gnomAD no frequency). This sequence change replaces cysteine, which is neutral and slightly polar, with phenylalanine, which is neutral and non-polar, at codon 1117 of the FLNC protein (p.Cys1117Phe).